The following is an entry in ClinVar:

NM_000455.5(STK11):c.465-4G>T

Gene: STK11 (serine/threonine kinase 11; plus strand). Cytogenetic location: 19p13.3.
Variant type: single nucleotide variant.
Coding change: c.465-4G>T on transcript NM_000455.5 (MANE Select); 4 bases into the intron before coding-DNA position 465, G replaced by T.
Molecular consequence: intron variant.
Genome position (GRCh38, 1-based): chr19:1,220,369, G>T. VCF-style: chr19-1220369-G-T. GRCh37 (hg19) VCF-style: chr19-1220368-G-T.
Identifiers: ClinVar variation 1742199 (VCV001742199.3), dbSNP rs587780009, ClinGen allele CA2317589733.

ClinVar aggregate classification (germline): Conflicting classifications of pathogenicity. Review status: criteria provided, conflicting classifications (1 of 4 stars). 2 submissions from 2 submitters: Uncertain significance (1); Likely benign (1). Last evaluated 2024-05-13.

Conditions:
Hereditary cancer-predisposing syndrome. Also called: Hereditary Cancer Syndrome; Hereditary neoplastic syndrome; Neoplastic Syndromes, Hereditary; Tumor predisposition. Identifiers: Orphanet 140162, MedGen C0027672, MeSH D009386, MONDO:0015356.

gnomAD v4.1: 1 of 1,598,574 alleles (0.000063%); highest among the groups gnomAD compares: Non-Finnish European, 0.000085%; no homozygotes.

Submissions (2):

Color Diagnostics, LLC DBA Color Health
Classification: Likely benign for Hereditary cancer-predisposing syndrome. Last evaluated: 2024-05-13. Review status: criteria provided, single submitter. Criteria: ACMG Guidelines, 2015. Collection method: clinical testing. Allele origin: germline.

Ambry Genetics
Classification: Uncertain significance for Hereditary cancer-predisposing syndrome. Last evaluated: 2023-12-07. Review status: criteria provided, single submitter. Criteria: Ambry Variant Classification Scheme 2023. Collection method: clinical testing. Allele origin: germline.
Comment: The c.465-4G>T intronic variant results from a G to T substitution 4 nucleotides upstream from coding exon 4 in the STK11 gene. This nucleotide position is not well conserved in available vertebrate species. In silico splice site analysis for this alteration is inconclusive. Since supporting evidence is limited at this time, the clinical significance of this alteration remains unclear.